The following is an entry in ClinVar:

NM_006206.6(PDGFRA):c.451C>T (p.Arg151Cys)

Gene: PDGFRA (platelet derived growth factor receptor alpha; plus strand). Cytogenetic location: 4q12.
Variant type: single nucleotide variant.
Coding change: c.451C>T on transcript NM_006206.6 (MANE Select); coding-DNA position 451, C replaced by T.
Protein change: p.Arg151Cys; replaces arginine 151 with cysteine.
Molecular consequence: missense variant.
Genome position (GRCh38, 1-based): chr4:54,263,750, C>T. VCF-style: chr4-54263750-C-T. GRCh37 (hg19) VCF-style: chr4-55129917-C-T.
Other names: c.451C>T, p.Arg151Cys (NM_001347827.2, NM_001347829.2); c.526C>T, p.Arg176Cys (NM_001347828.2); c.490C>T, p.Arg164Cys (NM_001347830.2); short protein forms R151C, R176C, R164C.
Identifiers: ClinVar variation 802074 (VCV000802074.19), dbSNP rs1449637193, ClinGen allele CA356889856.
Genomic context (GRCh38, chr4:54,263,750, plus strand): 5'-CTAGGAATGACGGATTATTTAGTCATCGTGGAGGATGATGATTCTGCCATTATACCTTGT[C>T]GCACAACTGATCCCGAGACTCCTGTAACCTTACACAACAGTGAGGGGGTGGTACCTGCCT-3'
Protein context (NP_006197.1, residues 141-161): EDDDSAIIPC[Arg151Cys]TTDPETPVTL

ClinVar aggregate classification (germline): Conflicting classifications of pathogenicity. Review status: criteria provided, conflicting classifications (1 of 4 stars). 5 submissions from 5 submitters: Likely pathogenic (1); Uncertain significance (4). Last evaluated 2025-10-23.

Conditions:
Polyps, multiple and recurrent inflammatory fibroid, gastrointestinal. Identifiers: MedGen C5193005, MONDO:0008285, OMIM 175510.
Hereditary cancer-predisposing syndrome. Also called: Neoplastic Syndromes, Hereditary; Hereditary Cancer Syndrome; Hereditary neoplastic syndrome; Tumor predisposition. Identifiers: Orphanet 140162, MedGen C0027672, MeSH D009386, MONDO:0015356.
Gastrointestinal stromal tumor. Also called: Gastrointestinal stromal tumor, somatic; Gastrointestinal stroma tumor. Identifiers: Orphanet 44890, MedGen C0238198, MeSH D046152, MONDO:0011719, OMIM 606764, HP:0100723.

Allele frequency attached by ClinVar (database versions not stated): gnomAD exomes below 0.00001.

Submissions (5):

Labcorp Genetics (formerly Invitae), Labcorp
Classification: Uncertain significance for Gastrointestinal stromal tumor. Last evaluated: 2025-10-23. Review status: criteria provided, single submitter. Criteria: Invitae Variant Classification Sherloc (09022015). Collection method: clinical testing. Allele origin: germline.
Comment: This sequence change replaces arginine, which is basic and polar, with cysteine, which is neutral and slightly polar, at codon 151 of the PDGFRA protein (p.Arg151Cys). This variant is present in population databases (no rsID available, gnomAD 0.0009%). This variant has not been reported in the literature in individuals affected with PDGFRA-related conditions. ClinVar contains an entry for this variant (Variation ID: 802074). Invitae Evidence Modeling of protein sequence and biophysical properties (such as structural, functional, and spatial information, amino acid conservation, physicochemical variation, residue mobility, and thermodynamic stability) indicates that this missense variant is not expected to disrupt PDGFRA protein function with a negative predictive value of 80%. In summary, the available evidence is currently insufficient to determine the role of this variant in disease. Therefore, it has been classified as a Variant of Uncertain Significance.

Ambry Genetics
Classification: Uncertain significance for Hereditary cancer-predisposing syndrome. Last evaluated: 2025-06-01. Review status: criteria provided, single submitter. Criteria: Ambry Variant Classification Scheme 2023. Collection method: clinical testing. Allele origin: germline.
Comment: The p.R151C variant (also known as c.451C>T), located in coding exon 3 of the PDGFRA gene, results from a C to T substitution at nucleotide position 451. The arginine at codon 151 is replaced by cysteine, an amino acid with highly dissimilar properties. This amino acid position is highly conserved in available vertebrate species. In addition, this alteration is predicted to be deleterious by in silico analysis. Since supporting evidence is limited at this time, the clinical significance of this alteration remains unclear.

Baylor Genetics
Classification: Uncertain significance for Polyps, multiple and recurrent inflammatory fibroid, gastrointestinal. Last evaluated: 2023-09-02. Review status: criteria provided, single submitter. Criteria: ACMG Guidelines, 2015. Collection method: clinical testing. Allele origin: unknown.

Mendelics
Classification: Likely pathogenic for Gastrointestinal stromal tumor. Last evaluated: 2019-05-28. Review status: criteria provided, single submitter. Criteria: Mendelics Assertion Criteria 2017. Collection method: clinical testing. Allele origin: unknown.

Neuberg Centre For Genomic Medicine, NCGM
Classification: Uncertain significance for Polyps, multiple and recurrent inflammatory fibroid, gastrointestinal. Review status: criteria provided, single submitter. Criteria: ACMG Guidelines, 2015. Collection method: clinical testing. Allele origin: germline. Inheritance: Autosomal dominant inheritance. Affected: yes.
Comment: The missense variant c.451C>T p.Arg151Cys in PDGFRA gene has not been reported previously as a pathogenic variant nor as a benign variant, to our knowledge. This variant is reported with the allele frequency 0.0004% in the gnomAD Exomes and novel in 1000 Genomes. This variant has been reported to the ClinVar database with conflicting interpretations as Likely pathogenic/ Uncertain significance. The amino acid Arginine at position 151 is changed to a Cysteine changing protein sequence and it might alter its composition and physico-chemical properties. The variant is predicted as damaging by SIFT. The residue is conserved by GERP++ and PhyloP across 100 vertebrates. For these reasons, this variant has been classified as Uncertain Significance.